The following is an entry in ClinVar:

NM_006766.5(KAT6A):c.3805G>C (p.Glu1269Gln)

Gene: KAT6A (lysine acetyltransferase 6A; minus strand). Cytogenetic location: 8p11.21.
Variant type: single nucleotide variant.
Coding change: c.3805G>C on transcript NM_006766.5 (MANE Select); coding-DNA position 3805, G replaced by C.
Protein change: p.Glu1269Gln; replaces glutamic acid 1269 with glutamine.
Molecular consequence: missense variant.
Genome position (GRCh38, 1-based): chr8:41,934,415, C>G on the plus strand (G>C on the coding strand, the complement: KAT6A is on the minus strand). VCF-style: chr8-41934415-C-G. GRCh37 (hg19) VCF-style: chr8-41791933-C-G.
Other names: short protein forms E1269Q.
Identifiers: ClinVar variation 4747333 (VCV004747333.1).

ClinVar aggregate classification (germline): Uncertain significance (1 of 4 stars; one submission).

Submission:

Labcorp Genetics (formerly Invitae), Labcorp
Classification: Uncertain significance. Last evaluated: 2025-08-07. Review status: criteria provided, single submitter. Criteria: Invitae Variant Classification Sherloc (09022015). Collection method: clinical testing. Allele origin: germline.
Comment: This sequence change replaces glutamic acid, which is acidic and polar, with glutamine, which is neutral and polar, at codon 1269 of the KAT6A protein (p.Glu1269Gln). This variant is not present in population databases (gnomAD no frequency). This variant has not been reported in the literature in individuals affected with KAT6A-related conditions. Invitae Evidence Modeling of protein sequence and biophysical properties (such as structural, functional, and spatial information, amino acid conservation, physicochemical variation, residue mobility, and thermodynamic stability) indicates that this missense variant is not expected to disrupt KAT6A protein function with a negative predictive value of 95%. In summary, the available evidence is currently insufficient to determine the role of this variant in disease. Therefore, it has been classified as a Variant of Uncertain Significance.